The following is an entry in ClinVar:

ClinVar aggregate classification (germline): Uncertain significance. Review status: criteria provided, multiple submitters, no conflicts (2 of 4 stars). 2 submissions from 2 submitters: Uncertain significance (2). Last evaluated 2026-06-11.

Conditions:
Hereditary cancer-predisposing syndrome. Also called: Tumor predisposition; Hereditary Cancer Syndrome; Hereditary neoplastic syndrome; Neoplastic Syndromes, Hereditary. Identifiers: Orphanet 140162, MedGen C0027672, MeSH D009386, MONDO:0015356.
Gorlin syndrome. Also called: Nevoid Basal Cell Carcinoma Syndrome; Basal cell nevus syndrome. Identifiers: Orphanet 377, MedGen C0004779, MONDO:0007187.

gnomAD v4.1: 1 of 1,610,842 alleles (0.000062%); highest among the groups gnomAD compares: Non-Finnish European, 0.000085%; no homozygotes.

Submissions (2):

Ambry Genetics
Classification: Uncertain significance for Hereditary cancer-predisposing syndrome. Last evaluated: 2026-06-11. Review status: criteria provided, single submitter. Criteria: Ambry Variant Classification Scheme 2023. Collection method: clinical testing. Allele origin: germline.
Comment: The p.P45L variant (also known as c.134C>T), located in coding exon 1 of the PTCH1 gene, results from a C to T substitution at nucleotide position 134. The proline at codon 45 is replaced by leucine, an amino acid with similar properties. This amino acid position is not well conserved in available vertebrate species. In addition, this alteration is predicted to be tolerated by in silico analysis. Based on the available evidence, the clinical significance of this variant remains unclear.

Labcorp Genetics (formerly Invitae), Labcorp
Classification: Uncertain significance for Gorlin syndrome. Last evaluated: 2024-07-02. Review status: criteria provided, single submitter. Criteria: Invitae Variant Classification Sherloc (09022015). Collection method: clinical testing. Allele origin: germline.
Comment: This sequence change replaces proline, which is neutral and non-polar, with leucine, which is neutral and non-polar, at codon 45 of the PTCH1 protein (p.Pro45Leu). This variant is not present in population databases (gnomAD no frequency). This variant has not been reported in the literature in individuals affected with PTCH1-related conditions. ClinVar contains an entry for this variant (Variation ID: 2176315). Advanced modeling of protein sequence and biophysical properties (such as structural, functional, and spatial information, amino acid conservation, physicochemical variation, residue mobility, and thermodynamic stability) performed at Invitae indicates that this missense variant is not expected to disrupt PTCH1 protein function with a negative predictive value of 95%. In summary, the available evidence is currently insufficient to determine the role of this variant in disease. Therefore, it has been classified as a Variant of Uncertain Significance.

NM_000264.5(PTCH1):c.134C>T (p.Pro45Leu)

Genes: PTCH1 (patched 1; minus strand), LOC130002133 (ATAC-STARR-seq lymphoblastoid silent region 20071; plus strand). Cytogenetic location: 9q22.32.
Variant type: single nucleotide variant.
Coding change: c.134C>T on transcript NM_000264.5 (MANE Select); coding-DNA position 134, C replaced by T.
Protein change: p.Pro45Leu; replaces proline 45 with leucine.
Molecular consequence: missense variant. On other transcripts: non-coding transcript variant (1), intron variant (3).
Genome position (GRCh38, 1-based): chr9:95,508,228, G>A on the plus strand (C>T on the coding strand, the complement: PTCH1 is on the minus strand). VCF-style: chr9-95508228-G-A. GRCh37 (hg19) VCF-style: chr9-98270510-G-A.
Other names: c.134C>T, p.Pro45Leu (NM_001354918.2); c.199-1629C>T (NM_001083603.3); c.4-1629C>T (NM_001083602.3, NM_001354919.2); short protein forms P45L.
Identifiers: ClinVar variation 2176315 (VCV002176315.5), dbSNP rs587780692, ClinGen allele CA374121373.
Genomic context (GRCh38, chr9:95,508,228, plus strand): 5'-ATCTGCTCCAGAGCGAAGGCGGCGTCGCAGTAGCTGGGCCGGTGCAGATAGTCCCGGTCC[G>A]GCGCGGCAGCACGGCGCAGCCCCCCCGTCCGTCTGCGCCTCCCGCCTCCAGCCGGCCGTC-3'
Protein context (NP_000255.2, residues 35-55): RTGGLRRAAA[Pro45Leu]DRDYLHRPSY